The following is an entry in ClinVar:

ClinVar aggregate classification (germline): Likely benign. Review status: criteria provided, multiple submitters, no conflicts (2 of 4 stars). 2 submissions from 2 submitters: Likely benign (2). Last evaluated 2025-11-19.

Conditions:
Mitochondrial complex II deficiency, nuclear type 1. Also called: SUCCINATE CoQ REDUCTASE DEFICIENCY. Identifiers: Orphanet 3208, MedGen C5700310, MONDO:0100294, OMIM 252011.
Pheochromocytoma/paraganglioma syndrome 5. Also called: Paragangliomas 5; SDHA-Related Hereditary Paraganglioma-Pheochromocytoma Syndrome. Identifiers: Orphanet 29072, MedGen C3279992, MONDO:0013602, OMIM 614165.

Allele frequency attached by ClinVar (database versions not stated): gnomAD 0.00001; gnomAD exomes 0.00001; TOPMed 0.00001; ExAC 0.00002.
gnomAD v4.1: 11 of 1,613,928 alleles (0.00068%); highest among the groups gnomAD compares: Admixed American, 0.005%; no homozygotes.

Submissions (2):

Labcorp Genetics (formerly Invitae), Labcorp
Classification: Likely benign for Pheochromocytoma/paraganglioma syndrome 5; Mitochondrial complex II deficiency, nuclear type 1. Last evaluated: 2025-11-19. Review status: criteria provided, single submitter. Criteria: Invitae Variant Classification Sherloc (09022015). Collection method: clinical testing. Allele origin: germline.

Myriad Genetics, Inc.
Classification: Likely benign for Pheochromocytoma/paraganglioma syndrome 5. Last evaluated: 2025-03-03. Review status: criteria provided, single submitter. Criteria: Myriad Autosomal Dominant, Autosomal Recessive and X-Linked Classification Criteria (2023). Collection method: clinical testing. Allele origin: unknown.
Comment: This variant is considered likely benign. This variant is intronic and is not expected to impact mRNA splicing.

NM_004168.4(SDHA):c.621+8C>T

Gene: SDHA (succinate dehydrogenase complex flavoprotein subunit A; plus strand). Cytogenetic location: 5p15.33.
Variant type: single nucleotide variant.
Coding change: c.621+8C>T on transcript NM_004168.4 (MANE Select); 8 bases into the intron after coding-DNA position 621, C replaced by T.
Molecular consequence: intron variant.
Genome position (GRCh38, 1-based): chr5:226,055, C>T. VCF-style: chr5-226055-C-T. GRCh37 (hg19) VCF-style: chr5-226170-C-T.
Other names: c.621+8C>T (NM_001330758.2); c.477+8C>T (NM_001294332.2).
Identifiers: ClinVar variation 239676 (VCV000239676.13), dbSNP rs201091275, ClinGen allele CA3172893.